The following is an entry in ClinVar:

NM_004568.6(SERPINB6):c.363T>C (p.Leu121=)

Gene: SERPINB6 (serpin family B member 6; minus strand). Cytogenetic location: 6p25.2.
Variant type: single nucleotide variant.
Coding change: c.363T>C on transcript NM_004568.6 (MANE Select); coding-DNA position 363, T replaced by C.
Protein change: p.Leu121=; no amino-acid change (leucine 121 retained).
Molecular consequence: synonymous variant. On other transcripts: non-coding transcript variant (1).
Genome position (GRCh38, 1-based): chr6:2,954,659, A>G on the plus strand (T>C on the coding strand, the complement: SERPINB6 is on the minus strand). VCF-style: chr6-2954659-A-G. GRCh37 (hg19) VCF-style: chr6-2954893-A-G.
Other names: c.375T>C, p.Leu125= (NM_001195291.3, NM_001374515.1); c.405T>C, p.Leu135= (NM_001271822.2); c.420T>C, p.Leu140= (NM_001271823.2); c.363T>C, p.Leu121= (NM_001271824.2, NM_001271825.2, NM_001297699.2 and 2 more transcripts); c.231T>C, p.Leu77= (NM_001374517.1).
Identifiers: ClinVar variation 682393 (VCV000682393.5), dbSNP rs267600931, ClinGen allele CA448174966.

ClinVar aggregate classification (germline): Likely benign. Review status: criteria provided, multiple submitters, no conflicts (2 of 4 stars). 2 submissions from 2 submitters: Likely benign (2). Last evaluated 2022-04-18.

Allele frequency attached by ClinVar (database versions not stated): gnomAD exomes below 0.00001.
gnomAD v4.1: 7 of 1,614,092 alleles (0.00043%); highest among the groups gnomAD compares: Non-Finnish European, 0.00059%; no homozygotes.

Submissions (2):

Labcorp Genetics (formerly Invitae), Labcorp
Classification: Likely benign. Last evaluated: 2022-04-18. Review status: criteria provided, single submitter. Criteria: Invitae Variant Classification Sherloc (09022015). Collection method: clinical testing. Allele origin: germline.

GeneDx
Classification: Likely benign. Last evaluated: 2018-05-07. Review status: criteria provided, single submitter. Criteria: GeneDx Variant Classification (06012015). Collection method: clinical testing. Allele origin: germline. Affected: yes.
Comment: This variant is considered likely benign or benign based on one or more of the following criteria: it is a conservative change, it occurs at a poorly conserved position in the protein, it is predicted to be benign by multiple in silico algorithms, and/or has population frequency not consistent with disease.